The following is an entry in ClinVar:

ClinVar aggregate classification (germline): Uncertain significance. Review status: criteria provided, multiple submitters, no conflicts (2 of 4 stars). 2 submissions from 2 submitters: Uncertain significance (2). Last evaluated 2026-03-17.

Conditions:
Congenital myasthenic syndrome 17. Identifiers: Orphanet 590, MedGen C4225377, MONDO:0014578, OMIM 616304.
Cenani-Lenz syndactyly syndrome. Also called: CENANI SYNDACTYLISM; SYNDACTYLY, TYPE VII. Identifiers: Orphanet 3258, MedGen C1859309, MONDO:0008931, OMIM 212780.
Sclerosteosis 2 (SOST2). Identifiers: Orphanet 3152, MedGen C3280402, MONDO:0013679, OMIM 614305.
Inborn genetic diseases. Identifiers: MedGen C0950123, MeSH D030342.

Allele frequency attached by ClinVar (database versions not stated): gnomAD 0.00001; ExAC 0.00002; gnomAD exomes 0.00001; TOPMed 0.00001.
gnomAD v4.1: 13 of 1,613,688 alleles (0.00081%); highest among the groups gnomAD compares: East Asian, 0.0022%; no homozygotes.

Submissions (2):

Ambry Genetics
Classification: Uncertain significance for Inborn genetic diseases. Last evaluated: 2026-03-17. Review status: criteria provided, single submitter. Criteria: Ambry Variant Classification Scheme 2023. Collection method: clinical testing. Allele origin: germline.
Comment: The c.1154G>A (p.R385Q) alteration is located in exon 10 (coding exon 10) of the LRP4 gene. This alteration results from a G to A substitution at nucleotide position 1154, causing the arginine (R) at amino acid position 385 to be replaced by a glutamine (Q). Based on data from gnomAD, the A allele has an overall frequency of 0.001% (2/250850) total alleles studied. The highest observed frequency was 0.002% (2/113524) of European (non-Finnish) alleles. Based on insufficient or conflicting evidence, the clinical significance of this alteration remains unclear.

Labcorp Genetics (formerly Invitae), Labcorp
Classification: Uncertain significance for Cenani-Lenz syndactyly syndrome; Sclerosteosis 2; Congenital myasthenic syndrome 17. Last evaluated: 2021-09-01. Review status: criteria provided, single submitter. Criteria: Invitae Variant Classification Sherloc (09022015). Collection method: clinical testing. Allele origin: germline.
Comment: This sequence change replaces arginine with glutamine at codon 385 of the LRP4 protein (p.Arg385Gln). The arginine residue is highly conserved and there is a small physicochemical difference between arginine and glutamine. This variant is present in population databases (rs772931812, ExAC 0.005%). This variant has not been reported in the literature in individuals affected with LRP4-related conditions. Algorithms developed to predict the effect of missense changes on protein structure and function are either unavailable or do not agree on the potential impact of this missense change (SIFT: "Deleterious"; PolyPhen-2: "Benign"; Align-GVGD: "Class C0"). In summary, the available evidence is currently insufficient to determine the role of this variant in disease. Therefore, it has been classified as a Variant of Uncertain Significance.

NM_002334.4(LRP4):c.1154G>A (p.Arg385Gln)

Gene: LRP4 (LDL receptor related protein 4; minus strand). Cytogenetic location: 11p11.2.
Variant type: single nucleotide variant.
Coding change: c.1154G>A on transcript NM_002334.4 (MANE Select); coding-DNA position 1154, G replaced by A.
Protein change: p.Arg385Gln; replaces arginine 385 with glutamine.
Molecular consequence: missense variant.
Genome position (GRCh38, 1-based): chr11:46,895,913, C>T on the plus strand (G>A on the coding strand, the complement: LRP4 is on the minus strand). VCF-style: chr11-46895913-C-T. GRCh37 (hg19) VCF-style: chr11-46917464-C-T.
Other names: short protein forms R385Q.
Identifiers: ClinVar variation 847725 (VCV000847725.8), dbSNP rs772931812, ClinGen allele CA5970254.